The following is an entry in ClinVar:

NM_000053.4(ATP7B):c.3477A>T (p.Leu1159Phe)

Gene: ATP7B (ATPase copper transporting beta; minus strand). Cytogenetic location: 13q14.3.
Variant type: single nucleotide variant.
Coding change: c.3477A>T on transcript NM_000053.4 (MANE Select); coding-DNA position 3477, A replaced by T.
Protein change: p.Leu1159Phe; replaces leucine 1159 with phenylalanine.
Molecular consequence: missense variant.
Genome position (GRCh38, 1-based): chr13:51,941,160, T>A on the plus strand (A>T on the coding strand, the complement: ATP7B is on the minus strand). VCF-style: chr13-51941160-T-A. GRCh37 (hg19) VCF-style: chr13-52515296-T-A.
Other names: c.2856A>T, p.Leu952Phe (NM_001005918.3); c.3144A>T, p.Leu1048Phe (NM_001243182.2); c.3243A>T, p.Leu1081Phe (NM_001330578.2, NM_001406527.1, NM_001406528.1); c.3225A>T, p.Leu1075Phe (NM_001330579.2, NM_001406531.1, NM_001406532.1); c.3477A>T, p.Leu1159Phe (NM_001406511.1, NM_001406512.1, NM_001406526.1); c.3471A>T, p.Leu1157Phe (NM_001406513.1); c.3444A>T, p.Leu1148Phe (NM_001406514.1); c.3423A>T, p.Leu1141Phe (NM_001406515.1, NM_001406516.1); and 18 more; short protein forms L1010F, L1075F, L1114F, L1127F, L1159F, L932F, L1016F, L1049F.
Identifiers: ClinVar variation 1731793 (VCV001731793.9), dbSNP rs2547600693, ClinGen allele CA388026461.
Genomic context (GRCh38, chr13:51,941,160, plus strand): 5'-GGCTGTCTGTCCTTTCATCTCGTGGTCTGTCATAGCGTCACTGACATCGCTAGAAATGGT[T>A]AAACCGTTGCGCCTCAGCCACTCACGGTTTCCAATCAGCACAGAGAAGGTCTGGGGGACT-3'
Protein context (NP_000044.2, residues 1149-1169): GNREWLRRNG[Leu1159Phe]TISSDVSDAM

ClinVar aggregate classification (germline): Uncertain significance. Review status: criteria provided, multiple submitters, no conflicts (2 of 4 stars). 4 submissions from 4 submitters: Uncertain significance (4). Last evaluated 2025-06-17.

Conditions:
Inborn genetic diseases. Identifiers: MedGen C0950123, MeSH D030342.
Wilson disease (WND). Also called: Wilson's disease. Identifiers: Orphanet 905, MedGen C0019202, MONDO:0010200, OMIM 277900. Disease mechanism: loss of function.

Submissions (4):

GeneDx
Classification: Uncertain significance. Last evaluated: 2025-06-17. Review status: criteria provided, single submitter. Criteria: GeneDx Variant Classification Process June 2021. Collection method: clinical testing. Allele origin: germline. Affected: yes.
Comment: Not observed at significant frequency in large population cohorts (gnomAD); In silico analysis supports that this missense variant has a deleterious effect on protein structure/function; Has not been previously published as pathogenic or benign to our knowledge

All of Us Research Program, National Institutes of Health
Classification: Uncertain significance for Wilson disease. Last evaluated: 2023-10-06. Review status: criteria provided, single submitter. Criteria: ACMG Guidelines, 2015. Collection method: clinical testing. Allele origin: germline. Inheritance: Autosomal recessive inheritance. Observed: 1 variant allele, 1 heterozygote.
Comment: This missense variant replaces leucine with phenylalanine at codon 1159 of the ATP7B protein. Computational prediction is inconclusive regarding the impact of this variant on protein structure and function (internally defined REVEL score threshold 0.5 < inconclusive < 0.7, PMID: 27666373). To our knowledge, functional studies have not been reported for this variant. This variant has not been reported in individuals affected with ATP7B-related disorders in the literature. This variant has not been identified in the general population by the Genome Aggregation Database (gnomAD). The available evidence is insufficient to determine the role of this variant in disease conclusively. Therefore, this variant is classified as a Variant of Uncertain Significance.

This study involves interpretation of variants in research participants for the purpose of population health screening. Participant phenotype was not available at the time of variant classification. Additional details can be found in publication PMID: 35346344, PMCID: PMC8962531

Labcorp Genetics (formerly Invitae), Labcorp
Classification: Uncertain significance for Wilson disease. Last evaluated: 2023-08-04. Review status: criteria provided, single submitter. Criteria: Invitae Variant Classification Sherloc (09022015). Collection method: clinical testing. Allele origin: germline.
Comment: ClinVar contains an entry for this variant (Variation ID: 1731793). Advanced modeling of protein sequence and biophysical properties (such as structural, functional, and spatial information, amino acid conservation, physicochemical variation, residue mobility, and thermodynamic stability) performed at Invitae indicates that this missense variant is not expected to disrupt ATP7B protein function. In summary, the available evidence is currently insufficient to determine the role of this variant in disease. Therefore, it has been classified as a Variant of Uncertain Significance. This variant has not been reported in the literature in individuals affected with ATP7B-related conditions. This sequence change replaces leucine, which is neutral and non-polar, with phenylalanine, which is neutral and non-polar, at codon 1159 of the ATP7B protein (p.Leu1159Phe). This variant is not present in population databases (gnomAD no frequency).

Ambry Genetics
Classification: Uncertain significance for Inborn genetic diseases. Last evaluated: 2021-08-16. Review status: criteria provided, single submitter. Criteria: Ambry Variant Classification Scheme 2023. Collection method: clinical testing. Allele origin: germline.
Comment: The p.L1159F variant (also known as c.3477A>T), located in coding exon 16 of the ATP7B gene, results from an A to T substitution at nucleotide position 3477. The leucine at codon 1159 is replaced by phenylalanine, an amino acid with highly similar properties. This amino acid position is conserved. In addition, the in silico prediction for this alteration is inconclusive. Since supporting evidence is limited at this time, the clinical significance of this alteration remains unclear.